The following is an entry in ClinVar:

NM_001283009.2(RTEL1):c.3664G>A (p.Gly1222Arg)

Genes: RTEL1 (regulator of telomere elongation helicase 1; plus strand), RTEL1-TNFRSF6B (RTEL1-TNFRSF6B readthrough (NMD candidate); plus strand). Cytogenetic location: 20q13.33.
Variant type: single nucleotide variant.
Coding change: c.3664G>A on transcript NM_001283009.2 (MANE Select); coding-DNA position 3664, G replaced by A.
Protein change: p.Gly1222Arg; replaces glycine 1222 with arginine.
Molecular consequence: missense variant. On other transcripts: non-coding transcript variant (1), intron variant (3).
Genome position (GRCh38, 1-based): chr20:63,695,492, G>A. VCF-style: chr20-63695492-G-A. GRCh37 (hg19) VCF-style: chr20-62326845-G-A.
Other names: c.2983+12G>A (NM_001283010.1); c.3724+12G>A (NM_032957.5); c.3652+12G>A (NM_016434.4); short protein forms G1222R.
Identifiers: ClinVar variation 3791003 (VCV003791003.2).

ClinVar aggregate classification (germline): Uncertain significance. Review status: criteria provided, multiple submitters, no conflicts (2 of 4 stars). 2 submissions from 2 submitters: Uncertain significance (2). Last evaluated 2025-04-26.

Conditions:
Inborn genetic diseases. Identifiers: MedGen C0950123, MeSH D030342.
Pulmonary fibrosis and/or bone marrow failure, Telomere-related, 3. Also called: PULMONARY FIBROSIS AND/OR BONE MARROW FAILURE SYNDROME, TELOMERE-RELATED, 3. Identifiers: Orphanet 2032, MedGen C4225346, MONDO:0014613, OMIM 616373.
Dyskeratosis congenita, autosomal recessive 5 (DKCB5). Identifiers: MedGen C3554656, MONDO:0014076, OMIM 615190.

gnomAD v4.1: 1 of 1,610,296 alleles (0.000062%); highest among the groups gnomAD compares: Non-Finnish European, 0.000085%; no homozygotes.

Submissions (2):

Labcorp Genetics (formerly Invitae), Labcorp
Classification: Uncertain significance for Dyskeratosis congenita, autosomal recessive 5; Pulmonary fibrosis and/or bone marrow failure, Telomere-related, 3. Last evaluated: 2025-04-26. Review status: criteria provided, single submitter. Criteria: Invitae Variant Classification Sherloc (09022015). Collection method: clinical testing. Allele origin: germline.
Comment: This sequence change replaces glycine, which is neutral and non-polar, with arginine, which is basic and polar, at codon 1222 of the RTEL1 protein (p.Gly1222Arg). This variant is not present in population databases (gnomAD no frequency). This variant has not been reported in the literature in individuals affected with RTEL1-related conditions. An algorithm developed to predict the effect of missense changes on protein structure and function (PolyPhen-2) suggests that this variant is likely to be tolerated. In summary, the available evidence is currently insufficient to determine the role of this variant in disease. Therefore, it has been classified as a Variant of Uncertain Significance.

Ambry Genetics
Classification: Uncertain significance for Inborn genetic diseases. Last evaluated: 2024-12-23. Review status: criteria provided, single submitter. Criteria: Ambry Variant Classification Scheme 2023. Collection method: clinical testing. Allele origin: germline.
Comment: The p.G1222R variant (also known as c.3664G>A), located in coding exon 33 of the RTEL1 gene, results from a G to A substitution at nucleotide position 3664. The glycine at codon 1222 is replaced by arginine, an amino acid with dissimilar properties. This amino acid position is conserved. In addition, this alteration is predicted to be tolerated by in silico analysis. Based on the available evidence, the clinical significance of this variant remains unclear.